The following is an entry in ClinVar:

NM_000465.4(BARD1):c.847G>C (p.Ala283Pro)

Gene: BARD1 (BRCA1 associated RING domain 1; minus strand). Cytogenetic location: 2q35.
Variant type: single nucleotide variant.
Coding change: c.847G>C on transcript NM_000465.4 (MANE Select); coding-DNA position 847, G replaced by C.
Protein change: p.Ala283Pro; replaces alanine 283 with proline.
Molecular consequence: missense variant. On other transcripts: non-coding transcript variant (2), intron variant (3).
Genome position (GRCh38, 1-based): chr2:214,781,027, C>G on the plus strand (G>C on the coding strand, the complement: BARD1 is on the minus strand). VCF-style: chr2-214781027-C-G. GRCh37 (hg19) VCF-style: chr2-215645751-C-G.
Other names: c.790G>C, p.Ala264Pro (NM_001282543.2); c.158+28385G>C (NM_001282548.2); c.215+16034G>C (NM_001282545.2); c.364+11270G>C (NM_001282549.2); short protein forms A283P, A264P.
Identifiers: ClinVar variation 482764 (VCV000482764.27), dbSNP rs923851371, ClinGen allele CA64788543.
Genomic context (GRCh38, chr2:214,781,027, plus strand): 5'-CCTTCTCAGGAGTCACTACTTCATTCCTGCTCTTAGTGTCTGGAGACTCTATTTGCTCAG[C>G]CAATGGTAAAGAGACTTCAGTTAAACTTCCAAAACATTCAGATTCTGTCAAGGAGCCACT-3'
Protein context (NP_000456.2, residues 273-293): GSLTEVSLPL[Ala283Pro]EQIESPDTKS

ClinVar aggregate classification (germline): Uncertain significance. Review status: criteria provided, multiple submitters, no conflicts (2 of 4 stars). 7 submissions from 7 submitters: Uncertain significance (7). Last evaluated 2025-08-28.

Conditions:
BARD1-related disorder. Also called: BARD1-related condition.
Hereditary cancer-predisposing syndrome. Also called: Neoplastic Syndromes, Hereditary; Hereditary Cancer Syndrome; Tumor predisposition; Hereditary neoplastic syndrome. Identifiers: Orphanet 140162, MedGen C0027672, MeSH D009386, MONDO:0015356.
Familial cancer of breast. Also called: BREAST CANCER, FAMILIAL; Hereditary breast cancer; hereditary breast carcinoma. Identifiers: Orphanet 227535, MedGen C0346153, MONDO:0016419, OMIM 114480. Disease mechanism: loss of function.

Allele frequency attached by ClinVar (database versions not stated): TOPMed below 0.00001; gnomAD exomes 0.00004.
gnomAD v4.1: 50 of 1,612,232 alleles (0.0031%); highest among the groups gnomAD compares: Non-Finnish European, 0.0042%; no homozygotes.

Submissions (7):

Labcorp Genetics (formerly Invitae), Labcorp
Classification: Uncertain significance for Familial cancer of breast. Last evaluated: 2025-08-28. Review status: criteria provided, single submitter. Criteria: Invitae Variant Classification Sherloc (09022015). Collection method: clinical testing. Allele origin: germline.
Comment: This sequence change replaces alanine, which is neutral and non-polar, with proline, which is neutral and non-polar, at codon 283 of the BARD1 protein (p.Ala283Pro). This variant is not present in population databases (gnomAD no frequency). This variant has not been reported in the literature in individuals affected with BARD1-related conditions. ClinVar contains an entry for this variant (Variation ID: 482764). An algorithm developed to predict the effect of missense changes on protein structure and function (PolyPhen-2) suggests that this variant is likely to be tolerated. In summary, the available evidence is currently insufficient to determine the role of this variant in disease. Therefore, it has been classified as a Variant of Uncertain Significance.

Quest Diagnostics Nichols Institute San Juan Capistrano
Classification: Uncertain significance. Last evaluated: 2025-08-26. Review status: criteria provided, single submitter. Criteria: Quest Diagnostics criteria. Collection method: clinical testing. Allele origin: unknown.
Comment: The BARD1 c.847G>C (p.Ala283Pro) variant has been reported in the published literature in individuals affected with breast cancer (PMID: 33471991 (2021), see also LOVD) and myelomeningocele (PMID: 33574475 (2021)). This variant has not been reported in large, multi-ethnic general populations (Genome Aggregation Database). Analysis of this variant using bioinformatics tools for the prediction of the effect of amino acid changes on protein structure and function yielded conflicting predictions that this variant is benign or damaging. Based on the available information, we are unable to determine the clinical significance of this variant.

PreventionGenetics, part of Exact Sciences
Classification: Uncertain significance for BARD1-related condition. Last evaluated: 2025-07-21. Review status: criteria provided, single submitter. Criteria: ACMG Guidelines, 2015. Collection method: clinical testing. Allele origin: germline.
Comment: The BARD1 c.847G>C variant is predicted to result in the amino acid substitution p.Ala283Pro. This variant was reported in an individual with breast cancer (Supplementary Material, Breast Cancer Association Consortium et al. 2021. PubMed ID: 33471991. This variant has not been reported in a large population database (gnomAD), indicating this variant is rare. This variant is classified as a variant of uncertain significance in ClinVar. At this time, the clinical significance of this variant is uncertain due to the absence of conclusive functional and genetic evidence.

Ambry Genetics
Classification: Uncertain significance for Hereditary cancer-predisposing syndrome. Last evaluated: 2025-03-21. Review status: criteria provided, single submitter. Criteria: Ambry Variant Classification Scheme 2023. Collection method: clinical testing. Allele origin: germline.
Comment: The p.A283P variant (also known as c.847G>C), located in coding exon 4 of the BARD1 gene, results from a G to C substitution at nucleotide position 847. The alanine at codon 283 is replaced by proline, an amino acid with highly similar properties. This amino acid position is not well conserved in available vertebrate species. In addition, this alteration is predicted to be tolerated by in silico analysis. Based on the available evidence, the clinical significance of this variant remains unclear.

GeneDx
Classification: Uncertain significance. Last evaluated: 2024-12-29. Review status: criteria provided, single submitter. Criteria: GeneDx Variant Classification Process June 2021. Collection method: clinical testing. Allele origin: germline. Affected: yes.
Comment: Not observed at significant frequency in large population cohorts (gnomAD); In silico analysis indicates that this missense variant does not alter protein structure/function; Observed in patients with myelomeningocele or breast cancer (PMID: 33574475, 33471991); This variant is associated with the following publications: (PMID: 33574475, 33471991)

Baylor Genetics
Classification: Uncertain significance for Familial cancer of breast. Last evaluated: 2024-03-16. Review status: criteria provided, single submitter. Criteria: ACMG Guidelines, 2015. Collection method: clinical testing. Allele origin: unknown.

Color Diagnostics, LLC DBA Color Health
Classification: Uncertain significance for Hereditary cancer-predisposing syndrome. Last evaluated: 2022-08-29. Review status: criteria provided, single submitter. Criteria: ACMG Guidelines, 2015. Collection method: clinical testing. Allele origin: germline.
Comment: This missense variant replaces alanine with proline at codon 283 of the BARD1 protein. Computational prediction suggests that this variant may not impact protein structure and function (internally defined REVEL score threshold <= 0.5, PMID: 27666373). To our knowledge, functional studies have not been reported for this variant. This variant has not been reported in individuals affected with hereditary cancer in the literature. This variant has not been identified in the general population by the Genome Aggregation Database (gnomAD). The available evidence is insufficient to determine the role of this variant in disease conclusively. Therefore, this variant is classified as a Variant of Uncertain Significance.

Literature cited by the submitters: PubMed 33574475 (cited by Quest Diagnostics Nichols Institute San Juan Capistrano); PubMed 33471991 (cited by Quest Diagnostics Nichols Institute San Juan Capistrano).